The following is an entry in ClinVar:

ClinVar aggregate classification (germline): Likely pathogenic (1 of 4 stars; one submission).

Conditions:
DGAT1-related disorder. Also called: DGAT1-related condition.

Submission:

PreventionGenetics, part of Exact Sciences
Classification: Likely pathogenic for DGAT1-related condition. Last evaluated: 2025-07-09. Review status: criteria provided, single submitter. Criteria: ACMG Guidelines, 2015. Collection method: clinical testing. Allele origin: germline.
Comment: The DGAT1 c.458delG variant is predicted to result in a frameshift and premature protein termination (p.Arg153Profs*7). To our knowledge, this variant has not been reported in the literature. This variant is reported in 0.00093% of alleles in individuals of European (Non-Finnish) descent in gnomAD. Frameshift variants in DGAT1 are expected to be pathogenic. This variant is interpreted as likely pathogenic.

NM_012079.6(DGAT1):c.458del (p.Arg153fs)

Gene: DGAT1 (diacylglycerol O-acyltransferase 1; minus strand). Cytogenetic location: 8q24.3.
Variant type: Deletion.
Coding change: c.458del on transcript NM_012079.6 (MANE Select); coding-DNA position 458, one base deleted (G; older notation c.458delG).
Protein change: p.Arg153fs; shifts the reading frame from arginine 153.
Molecular consequence: frameshift variant.
Genome position (GRCh38, 1-based): chr8:144,318,709, C deleted on the plus strand (G on the coding strand, the reverse complement: DGAT1 is on the minus strand). VCF-style (leftmost placement, unchanged base first): chr8-144318708-GC-G. GRCh37 (hg19) VCF-style: chr8-145542371-GC-G.
Other names: short protein forms R153fs.
Identifiers: ClinVar variation 4983283 (VCV004983283.1).
Genomic context (GRCh38, chr8:144,318,708, plus strand): 5'-GGAGCGCACACAGCAGGGTGAGCACACACGGAGGTGAGGGGCACTGCTTACCACCGCCAG[GC>G]GCTTCTCAACCTGGAATGCAGCCACAGCAAAGACATTGGCCGCTGTGGACAGAAGCACCA-3'